The following is an entry in ClinVar:

ClinVar aggregate classification (germline): Likely benign. Review status: criteria provided, single submitter (1 of 4 stars). 2 submissions from 2 submitters: Likely benign (1). 1 of the submissions does not count toward it. Last evaluated 2016-06-20.

Conditions:
LOXHD1-related disorder. Also called: LOXHD1-related condition.

Allele frequency attached by ClinVar (database versions not stated): gnomAD exomes 0.00002 and 0.00012; TOPMed 0.00004; gnomAD 0.00005; 1000 Genomes Project 30x 0.00016.
gnomAD v4.1: 37 of 1,551,664 alleles (0.0024%); highest among the groups gnomAD compares: East Asian, 0.088%; no homozygotes.

Submissions (2):

Laboratory for Molecular Medicine, Mass General Brigham Personalized Medicine
Classification: Likely benign. Last evaluated: 2016-06-20. Review status: criteria provided, single submitter. Criteria: LMM Criteria. Collection method: clinical testing. Allele origin: germline. Observed: 1 variant allele.
Comment: p.Thr1383Ala in exon 27 of LOXHD1: This variant is not expected to have clinical significance due to a lack of conservation across species, including mammals. O f note, three mammals (opossum, Tasmanian devil, wallaby) have an alanine (Ala) at this position despite high nearby amino acid conservation. In addition, compu tational prediction tools do not suggest a high likelihood of impact to the prot ein.

PreventionGenetics, part of Exact Sciences
Classification: Likely benign for LOXHD1-related condition. Last evaluated: 2024-01-02. Review status: no assertion criteria provided. Collection method: clinical testing. Allele origin: germline. Not counted in ClinVar's aggregate classification.
Comment: This variant is classified as likely benign based on ACMG/AMP sequence variant interpretation guidelines (Richards et al. 2015 PMID: 25741868, with internal and published modifications).

NM_001384474.1(LOXHD1):c.4147A>G (p.Thr1383Ala)

Gene: LOXHD1 (lipoxygenase homology PLAT domains 1; minus strand). Cytogenetic location: 18q21.1.
Variant type: single nucleotide variant.
Coding change: c.4147A>G on transcript NM_001384474.1 (MANE Select); coding-DNA position 4147, A replaced by G.
Protein change: p.Thr1383Ala; replaces threonine 1383 with alanine.
Molecular consequence: missense variant.
Genome position (GRCh38, 1-based): chr18:46,534,400, T>C on the plus strand (A>G on the coding strand, the complement: LOXHD1 is on the minus strand). VCF-style: chr18-46534400-T-C. GRCh37 (hg19) VCF-style: chr18-44114363-T-C.
Other names: c.814A>G, p.Thr272Ala (NM_001145472.3); c.526A>G, p.Thr176Ala (NM_001308013.2); c.4147A>G, p.Thr1383Ala (NM_144612.7); short protein forms T1383A, T176A, T272A.
Identifiers: ClinVar variation 505093 (VCV000505093.6), dbSNP rs1182325987, ClinGen allele CA402375750.
Genomic context (GRCh38, chr18:46,534,400, plus strand): 5'-TATCCGGGAGGAGCCTGCGGATGTCCACGTGAGAGCAGTGCCACCCAGGATTCATGCCCG[T>C]GTTATTATGGCCAATCCGAATTTTTTCAATGATTTCTCCCACATCTTCTAACTTTGGAAA-3'
Protein context (NP_001371403.1, residues 1373-1393): IEKIRIGHNN[Thr1383Ala]GMNPGWHCSH